The following is an entry in ClinVar:

ClinVar aggregate classification (germline): Conflicting classifications of pathogenicity. Review status: criteria provided, conflicting classifications (1 of 4 stars). 13 submissions from 10 submitters: Uncertain significance (7); Benign (2); Likely benign (2). 2 of the submissions do not count toward it. Last evaluated 2026-01-02.

Conditions:
TWNK-related disorder. Also called: TWNK-related condition.
Inborn genetic diseases. Identifiers: MedGen C0950123, MeSH D030342.
Autosomal recessive cerebellar ataxia. Also called: Spinocerebellar Ataxia, Recessive; Spinocerebellar ataxia, autosomal recessive. Identifiers: Orphanet 1172, MedGen C5575375, MONDO:0015244.
Infantile onset spinocerebellar ataxia (MTDPS7). Also called: SPINOCEREBELLAR ATAXIA, INFANTILE, WITH SENSORY NEUROPATHY; Mitochondrial DNA depletion syndrome 7 (hepatocerebral type); OPHTHALMOPLEGIA, HYPOTONIA, ATAXIA, HYPOACUSIS, AND ATHETOSIS; OHAHA SYNDROME. Identifiers: Orphanet 1186, MedGen C1849096, MONDO:0010060, OMIM 271245.
Sensory ataxic neuropathy, dysarthria, and ophthalmoparesis (SANDO). Also called: Sensory ataxic neuropathy-dysarthria-ophthalmoparesis syndrome; Epilepsy, progressive myoclonic, type 5; SENSORY ATAXIC NEUROPATHY WITH MITOCHONDRIAL DNA DELETIONS, AUTOSOMAL RECESSIVE; Ataxia Neuropathy Spectrum (ANS). Identifiers: Orphanet 70595, MedGen C1843851, MONDO:0011835, OMIM 607459.
Progressive external ophthalmoplegia with mitochondrial DNA deletions, autosomal dominant 3. Also called: PROGRESSIVE EXTERNAL OPHTHALMOPLEGIA, AUTOSOMAL DOMINANT 3. Identifiers: MedGen C1836439, MONDO:0012241, OMIM 609286.

Allele frequency attached by ClinVar (database versions not stated): gnomAD exomes 0.00011 and 0.00014; ExAC 0.00013; 1000 Genomes Project 30x 0.00016; gnomAD 0.00020 and 0.00021; TOPMed 0.00025.

Submissions (13):

Labcorp Genetics (formerly Invitae), Labcorp
Classification: Likely benign. Last evaluated: 2026-01-02. Review status: criteria provided, single submitter. Criteria: Invitae Variant Classification Sherloc (09022015). Collection method: clinical testing. Allele origin: germline.

PreventionGenetics, part of Exact Sciences
Classification: Uncertain significance for TWNK-related condition. Last evaluated: 2025-11-16. Review status: criteria provided, single submitter. Criteria: ACMG Guidelines, 2015. Collection method: clinical testing. Allele origin: germline.
Comment: The TWNK c.1042G>A variant is predicted to result in the amino acid substitution p.Gly348Arg. To our knowledge, this variant has not been reported in the literature. This variant is reported in 0.055% of alleles in individuals of East Asian descent in gnomAD. Although we suspect that this variant may be benign, at this time, the clinical significance of this variant is uncertain due to the absence of conclusive functional and genetic evidence.

GeneDx
Classification: Uncertain significance. Last evaluated: 2024-11-20. Review status: criteria provided, single submitter. Criteria: GeneDx Variant Classification Process June 2021. Collection method: clinical testing. Allele origin: germline. Affected: yes.
Comment: In silico analysis indicates that this missense variant does not alter protein structure/function; Has not been previously published as pathogenic or benign to our knowledge

Mayo Clinic Laboratories, Mayo Clinic
Classification: Uncertain significance. Last evaluated: 2023-12-14. Review status: criteria provided, single submitter. Criteria: ACMG Guidelines, 2015. Collection method: clinical testing. Allele origin: germline. Observed: 1 variant allele.

Ambry Genetics
Classification: Likely benign for Inborn genetic diseases. Last evaluated: 2022-02-15. Review status: criteria provided, single submitter. Criteria: Ambry Variant Classification Scheme 2023. Collection method: clinical testing. Allele origin: germline.

Baylor Genetics
Classification: Uncertain significance for Infantile onset spinocerebellar ataxia. Last evaluated: 2020-07-08. Review status: criteria provided, single submitter. Criteria: ACMG Guidelines, 2015. Collection method: clinical testing. Allele origin: unknown. Affected: yes.
Comment: This variant was determined to be of uncertain significance according to ACMG Guidelines, 2015 [PMID:25741868].

Illumina Laboratory Services, Illumina
Classification: Benign for Progressive external ophthalmoplegia with mitochondrial DNA deletions, autosomal dominant 3. Last evaluated: 2018-01-12. Review status: criteria provided, single submitter. Criteria: ICSL Variant Classification Criteria 13 December 2019. Collection method: clinical testing. Allele origin: germline.
Comment: This variant was observed in the ICSL laboratory as part of a predisposition screen in an ostensibly healthy population. It had not been previously curated by ICSL or reported in the Human Gene Mutation Database (HGMD: prior to June 1st, 2018), and was therefore a candidate for classification through an automated scoring system. Utilizing variant allele frequency, disease prevalence and penetrance estimates, and inheritance mode, an automated score was calculated to assess if this variant is too frequent to cause the disease. Based on the score and internal cut-off values, a variant classified as benign is not then subjected to further curation. The score for this variant resulted in a classification of benign for this disease.

Illumina Laboratory Services, Illumina
Classification: Benign for Sensory ataxic neuropathy-dysarthria-ophthalmoparesis syndrome. Last evaluated: 2018-01-12. Review status: criteria provided, single submitter. Criteria: ICSL Variant Classification Criteria 13 December 2019. Collection method: clinical testing. Allele origin: germline.
Comment: the same text as in the submission from Illumina Laboratory Services, Illumina above.

Illumina Laboratory Services, Illumina
Classification: Uncertain significance for Infantile onset spinocerebellar ataxia. Last evaluated: 2018-01-12. Review status: criteria provided, single submitter. Criteria: ICSL Variant Classification Criteria 13 December 2019. Collection method: clinical testing. Allele origin: germline.

Illumina Laboratory Services, Illumina
Classification: Uncertain significance for Autosomal recessive cerebellar ataxia. Last evaluated: 2018-01-12. Review status: criteria provided, single submitter. Criteria: ICSL Variant Classification Criteria 13 December 2019. Collection method: clinical testing. Allele origin: germline.

CeGaT Center for Human Genetics Tuebingen
Classification: Uncertain significance. Last evaluated: 2016-04-01. Review status: criteria provided, single submitter. Criteria: CeGaT Center For Human Genetics Tuebingen Variant Classification Criteria Version 2. Collection method: clinical testing. Allele origin: germline. Affected: yes. Observed: 1 variant allele.

Clinical Genetics DNA and cytogenetics Diagnostics Lab, Erasmus MC, Erasmus Medical Center
Classification: Likely benign. Review status: no assertion criteria provided. Collection method: clinical testing. Allele origin: germline. Affected: yes. Study: VKGL Data-share Consensus. Not counted in ClinVar's aggregate classification.

Laboratory of Diagnostic Genome Analysis, Leiden University Medical Center (LUMC)
Classification: Likely benign. Review status: no assertion criteria provided. Collection method: clinical testing. Allele origin: germline. Affected: yes. Study: VKGL Data-share Consensus. Not counted in ClinVar's aggregate classification.

NM_021830.5(TWNK):c.1042G>A (p.Gly348Arg)

Gene: TWNK (twinkle mtDNA helicase; plus strand). Cytogenetic location: 10q24.31.
Variant type: single nucleotide variant.
Coding change: c.1042G>A on transcript NM_021830.5 (MANE Select); coding-DNA position 1042, G replaced by A.
Protein change: p.Gly348Arg; replaces glycine 348 with arginine.
Molecular consequence: missense variant. On other transcripts: non-coding transcript variant (4), intron variant (3).
Genome position (GRCh38, 1-based): chr10:100,989,252, G>A. VCF-style: chr10-100989252-G-A. GRCh37 (hg19) VCF-style: chr10-102749009-G-A.
Other names: c.1042G>A, p.Gly348Arg (NM_001163812.2); c.-119-392G>A (NM_001163814.2, NM_001163813.2); c.-57-454G>A (NM_001368275.1); short protein forms G348R.
Identifiers: ClinVar variation 298500 (VCV000298500.60), dbSNP rs62626271, ClinGen allele CA5653154.